The following is an entry in ClinVar:

NM_002834.5(PTPN11):c.1357G>T (p.Gly453Trp)

Gene: PTPN11 (protein tyrosine phosphatase non-receptor type 11; plus strand). Cytogenetic location: 12q24.13.
Variant type: single nucleotide variant.
Coding change: c.1357G>T on transcript NM_002834.5 (MANE Select); coding-DNA position 1357, G replaced by T.
Protein change: p.Gly453Trp; replaces glycine 453 with tryptophan.
Molecular consequence: missense variant.
Genome position (GRCh38, 1-based): chr12:112,486,607, G>T. VCF-style: chr12-112486607-G-T. GRCh37 (hg19) VCF-style: chr12-112924411-G-T.
Other names: c.1369G>T, p.Gly457Trp (NM_001330437.2); c.1354G>T, p.Gly452Trp (NM_001374625.1); c.1357G>T, p.Gly453Trp (NM_080601.3); short protein forms G452W, G453W, G457W.
Identifiers: ClinVar variation 3365744 (VCV003365744.2).

ClinVar aggregate classification (germline): Uncertain significance. Review status: criteria provided, multiple submitters, no conflicts (2 of 4 stars). 2 submissions from 2 submitters: Uncertain significance (2). Last evaluated 2025-10-11.

Conditions:
RASopathy. Also called: Noonan spectrum disorder; rasopathies. Identifiers: Orphanet 536391, MedGen C5555857, MONDO:0021060.

gnomAD v4.1: 1 of 1,613,134 alleles (0.000062%); highest among the groups gnomAD compares: South Asian, 0.0011%; no homozygotes.

Submissions (2):

Labcorp Genetics (formerly Invitae), Labcorp
Classification: Uncertain significance for RASopathy. Last evaluated: 2025-10-11. Review status: criteria provided, single submitter. Criteria: Invitae Variant Classification Sherloc (09022015). Collection method: clinical testing. Allele origin: germline.
Comment: This sequence change replaces glycine, which is neutral and non-polar, with tryptophan, which is neutral and slightly polar, at codon 453 of the PTPN11 protein (p.Gly453Trp). This variant is not present in population databases (gnomAD no frequency). This variant has not been reported in the literature in individuals affected with PTPN11-related conditions. ClinVar contains an entry for this variant (Variation ID: 3365744). Invitae Evidence Modeling of protein sequence and biophysical properties (such as structural, functional, and spatial information, amino acid conservation, physicochemical variation, residue mobility, and thermodynamic stability) indicates that this missense variant is expected to disrupt PTPN11 protein function with a positive predictive value of 95%. In summary, the available evidence is currently insufficient to determine the role of this variant in disease. Therefore, it has been classified as a Variant of Uncertain Significance.

GeneDx
Classification: Uncertain significance. Last evaluated: 2023-12-18. Review status: criteria provided, single submitter. Criteria: GeneDx Variant Classification Process June 2021. Collection method: clinical testing. Allele origin: germline. Affected: yes.
Comment: Not observed at significant frequency in large population cohorts (gnomAD); Missense variants in this gene are a common cause of disease and they are underrepresented in the general population; In silico analysis supports that this missense variant has a deleterious effect on protein structure/function; Has not been previously published as pathogenic or benign to our knowledge; This variant is associated with the following publications: (PMID: 29493581)